The following is an entry in ClinVar:

NM_005535.3(IL12RB1):c.1724G>A (p.Arg575Gln)

Gene: IL12RB1 (interleukin 12 receptor subunit beta 1; minus strand). Cytogenetic location: 19p13.11.
Variant type: single nucleotide variant.
Coding change: c.1724G>A on transcript NM_005535.3 (MANE Select); coding-DNA position 1724, G replaced by A.
Protein change: p.Arg575Gln; replaces arginine 575 with glutamine.
Molecular consequence: missense variant.
Genome position (GRCh38, 1-based): chr19:18,061,189, C>T on the plus strand (G>A on the coding strand, the complement: IL12RB1 is on the minus strand). VCF-style: chr19-18061189-C-T. GRCh37 (hg19) VCF-style: chr19-18171999-C-T.
Other names: c.1724G>A, p.Arg575Gln (NM_001290023.2); c.1844G>A, p.Arg615Gln (NM_001290024.2); short protein forms R575Q, R615Q.
Identifiers: ClinVar variation 656215 (VCV000656215.9), dbSNP rs767643297, ClinGen allele CA9304707.

ClinVar aggregate classification (germline): Uncertain significance. Review status: criteria provided, multiple submitters, no conflicts (2 of 4 stars). 2 submissions from 2 submitters: Uncertain significance (2). Last evaluated 2026-01-30.

Conditions:
Mendelian susceptibility to mycobacterial diseases due to complete IL12RB1 deficiency. Also called: IL12RB1 DEFICIENCY; Immunodeficiency 30. Identifiers: Orphanet 319552, MedGen C4013949, MONDO:0013955, OMIM 614891.
Inborn genetic diseases. Identifiers: MedGen C0950123, MeSH D030342.

Allele frequency attached by ClinVar (database versions not stated): gnomAD 0.00001; gnomAD exomes 0.00001 and 0.00002; TOPMed 0.00002; ExAC 0.00004.
gnomAD v4.1: 11 of 1,575,280 alleles (0.0007%); highest among the groups gnomAD compares: East Asian, 0.0068%; no homozygotes.

Submissions (2):

Labcorp Genetics (formerly Invitae), Labcorp
Classification: Uncertain significance for Mendelian susceptibility to mycobacterial diseases due to complete IL12RB1 deficiency. Last evaluated: 2026-01-30. Review status: criteria provided, single submitter. Criteria: Invitae Variant Classification Sherloc (09022015). Collection method: clinical testing. Allele origin: germline.
Comment: This sequence change replaces arginine, which is basic and polar, with glutamine, which is neutral and polar, at codon 575 of the IL12RB1 protein (p.Arg575Gln). This variant is present in population databases (rs767643297, gnomAD 0.01%). This variant has not been reported in the literature in individuals affected with IL12RB1-related conditions. ClinVar contains an entry for this variant (Variation ID: 656215). Invitae Evidence Modeling of protein sequence and biophysical properties (such as structural, functional, and spatial information, amino acid conservation, physicochemical variation, residue mobility, and thermodynamic stability) indicates that this missense variant is not expected to disrupt IL12RB1 protein function with a negative predictive value of 80%. In summary, the available evidence is currently insufficient to determine the role of this variant in disease. Therefore, it has been classified as a Variant of Uncertain Significance.

Ambry Genetics
Classification: Uncertain significance for Inborn genetic diseases. Last evaluated: 2025-01-03. Review status: criteria provided, single submitter. Criteria: Ambry Variant Classification Scheme 2023. Collection method: clinical testing. Allele origin: germline.